The following is an entry in ClinVar:

NM_006914.4(RORB):c.78_79del (p.Thr26_Cys27insTer)

Gene: RORB (RAR related orphan receptor B; plus strand). Cytogenetic location: 9q21.13.
Variant type: Deletion.
Coding change: c.78_79del on transcript NM_006914.4 (MANE Select); coding-DNA positions 78 to 79, 2 bases deleted (AT; older notation c.78_79delAT).
Protein change: p.Thr26_Cys27insTer.
Molecular consequence: frameshift variant.
Genome position (GRCh38, 1-based): chr9:74,630,352-74,630,353, AT deleted. VCF-style (leftmost placement, unchanged base first): chr9-74630351-CAT-C. GRCh37 (hg19) VCF-style: chr9-77245267-CAT-C.
Other names: c.111_112del, p.Thr37_Cys38insTer (NM_001365023.1).
Identifiers: ClinVar variation 1404805 (VCV001404805.6), dbSNP rs2118414471, ClinGen allele CA2573144686.

ClinVar aggregate classification (germline): Pathogenic (1 of 4 stars; one submission).

Submission:

Labcorp Genetics (formerly Invitae), Labcorp
Classification: Pathogenic. Last evaluated: 2021-09-09. Review status: criteria provided, single submitter. Criteria: Invitae Variant Classification Sherloc (09022015). Collection method: clinical testing. Allele origin: germline.
Comment: This sequence change creates a premature translational stop signal (p.Cys27*) in the RORB gene. It is expected to result in an absent or disrupted protein product. Loss-of-function variants in RORB are known to be pathogenic (PMID: 27352968). This variant is not present in population databases (ExAC no frequency). This variant has not been reported in the literature in individuals affected with RORB-related conditions. For these reasons, this variant has been classified as Pathogenic.

Literature cited by the submitters: PubMed 27352968.